The following is an entry in ClinVar:

NM_018136.5(ASPM):c.6136G>A (p.Ala2046Thr)

Gene: ASPM (assembly factor for spindle microtubules; minus strand). Cytogenetic location: 1q31.3.
Variant type: single nucleotide variant.
Coding change: c.6136G>A on transcript NM_018136.5 (MANE Select); coding-DNA position 6136, G replaced by A.
Protein change: p.Ala2046Thr; replaces alanine 2046 with threonine.
Molecular consequence: missense variant. On other transcripts: intron variant (1).
Genome position (GRCh38, 1-based): chr1:197,103,115, C>T on the plus strand (G>A on the coding strand, the complement: ASPM is on the minus strand). VCF-style: chr1-197103115-C-T. GRCh37 (hg19) VCF-style: chr1-197072245-C-T.
Other names: c.6136G>A (NM_018136.4); c.4066-6951G>A (NM_001206846.2); short protein forms A2046T.
Identifiers: ClinVar variation 1375356 (VCV001375356.7), dbSNP rs1657254396, ClinGen allele CA344023587.

ClinVar aggregate classification (germline): Uncertain significance. Review status: criteria provided, multiple submitters, no conflicts (2 of 4 stars). 2 submissions from 2 submitters: Uncertain significance (2). Last evaluated 2025-08-11.

Conditions:
Inborn genetic diseases. Identifiers: MedGen C0950123, MeSH D030342.

Allele frequency attached by ClinVar (database versions not stated): TOPMed below 0.00001.
gnomAD v4.1: 1 of 1,612,766 alleles (0.000062%); highest among the groups gnomAD compares: Non-Finnish European, 0.000085%; no homozygotes.

Submissions (2):

Ambry Genetics
Classification: Uncertain significance for Inborn genetic diseases. Last evaluated: 2025-08-11. Review status: criteria provided, single submitter. Criteria: Ambry Variant Classification Scheme 2023. Collection method: clinical testing. Allele origin: germline.

Labcorp Genetics (formerly Invitae), Labcorp
Classification: Uncertain significance. Last evaluated: 2024-12-03. Review status: criteria provided, single submitter. Criteria: Invitae Variant Classification Sherloc (09022015). Collection method: clinical testing. Allele origin: germline.
Comment: This sequence change replaces alanine, which is neutral and non-polar, with threonine, which is neutral and polar, at codon 2046 of the ASPM protein (p.Ala2046Thr). This variant is not present in population databases (gnomAD no frequency). This variant has not been reported in the literature in individuals affected with ASPM-related conditions. ClinVar contains an entry for this variant (Variation ID: 1375356). Invitae Evidence Modeling of protein sequence and biophysical properties (such as structural, functional, and spatial information, amino acid conservation, physicochemical variation, residue mobility, and thermodynamic stability) has been performed for this missense variant. However, the output from this modeling did not meet the statistical confidence thresholds required to predict the impact of this variant on ASPM protein function. In summary, the available evidence is currently insufficient to determine the role of this variant in disease. Therefore, it has been classified as a Variant of Uncertain Significance.